The following is an entry in ClinVar:

NM_032043.3(BRIP1):c.3618T>C (p.Ile1206=)

Gene: BRIP1 (BRCA1 interacting DNA helicase 1; minus strand). Cytogenetic location: 17q23.2.
Variant type: single nucleotide variant.
Coding change: c.3618T>C on transcript NM_032043.3 (MANE Select); coding-DNA position 3618, T replaced by C.
Protein change: p.Ile1206=; no amino-acid change (isoleucine 1206 retained).
Molecular consequence: synonymous variant.
Genome position (GRCh38, 1-based): chr17:61,683,428, A>G on the plus strand (T>C on the coding strand, the complement: BRIP1 is on the minus strand). VCF-style: chr17-61683428-A-G. GRCh37 (hg19) VCF-style: chr17-59760789-A-G.
Identifiers: ClinVar variation 2951134 (VCV002951134.4), dbSNP rs2061299577, ClinGen allele CA501335209.

ClinVar aggregate classification (germline): Benign/Likely benign. Review status: criteria provided, multiple submitters, no conflicts (2 of 4 stars). 2 submissions from 2 submitters: Benign (1); Likely benign (1). Last evaluated 2024-09-10.

Conditions:
Familial cancer of breast. Also called: BREAST CANCER, FAMILIAL; Hereditary breast cancer; hereditary breast carcinoma. Identifiers: Orphanet 227535, MedGen C0346153, MONDO:0016419, OMIM 114480. Disease mechanism: loss of function.
Fanconi anemia complementation group J. Also called: BRIP1-Related Fanconi Anemia. Identifiers: Orphanet 84, MedGen C1836860, MONDO:0012187, OMIM 609054.

Allele frequency attached by ClinVar (database versions not stated): gnomAD exomes below 0.00001.
gnomAD v4.1: 1 of 1,613,658 alleles (0.000062%); highest among the groups gnomAD compares: South Asian, 0.0011%; no homozygotes.

Submissions (2):

Myriad Genetics, Inc.
Classification: Benign for Familial cancer of breast. Last evaluated: 2024-09-10. Review status: criteria provided, single submitter. Criteria: Myriad Autosomal Dominant, Autosomal Recessive and X-Linked Classification Criteria (2023). Collection method: clinical testing. Allele origin: unknown.
Comment: This variant is considered benign. This variant is a silent/synonymous amino acid change and it is not expected to impact splicing.

Labcorp Genetics (formerly Invitae), Labcorp
Classification: Likely benign for Familial cancer of breast; Fanconi anemia complementation group J. Last evaluated: 2023-08-19. Review status: criteria provided, single submitter. Criteria: Invitae Variant Classification Sherloc (09022015). Collection method: clinical testing. Allele origin: germline.